The following is an entry in ClinVar:

NM_000191.3(HMGCL):c.61-17C>T

Gene: HMGCL (3-hydroxy-3-methylglutaryl-CoA lyase; minus strand). Cytogenetic location: 1p36.11.
Variant type: single nucleotide variant.
Coding change: c.61-17C>T on transcript NM_000191.3 (MANE Select); 17 bases into the intron before coding-DNA position 61, C replaced by T.
Molecular consequence: intron variant.
Genome position (GRCh38, 1-based): chr1:23,820,610, G>A on the plus strand (C>T on the coding strand, the complement: HMGCL is on the minus strand). VCF-style: chr1-23820610-G-A. GRCh37 (hg19) VCF-style: chr1-24147100-G-A.
Other names: c.61-17C>T (NM_001166059.2).
Identifiers: ClinVar variation 382366 (VCV000382366.12), dbSNP rs56913973, ClinGen allele CA686209.

ClinVar aggregate classification (germline): Benign/Likely benign. Review status: criteria provided, multiple submitters, no conflicts (2 of 4 stars). 5 submissions from 5 submitters: Benign (1); Likely benign (4). Last evaluated 2026-01-28.

Conditions:
Deficiency of hydroxymethylglutaryl-CoA lyase (HMGCLD). Also called: Defect in leucine metabolism; 3-hydroxy-3-methylglutaric aciduria; HMG-CoA LYASE DEFICIENCY; HMGCL DEFICIENCY; HYDROXYMETHYLGLUTARIC ACIDURIA. Identifiers: Orphanet 20, MedGen C1533587, MONDO:0009520, OMIM 246450.

Allele frequency attached by ClinVar (database versions not stated): gnomAD exomes 0.00027 and 0.00078; ExAC 0.00105; gnomAD 0.00317 and 0.00337; 1000 Genomes Project 0.00339; 1000 Genomes Project 30x 0.00344; ESP Exome Variant Server 0.00369; TOPMed 0.00372.
gnomAD v4.1: 907 of 1,582,846 alleles (0.057%); highest among the groups gnomAD compares: African/African-American, 1%; 6 homozygotes.

Submissions (5):

Labcorp Genetics (formerly Invitae), Labcorp
Classification: Benign for Deficiency of hydroxymethylglutaryl-CoA lyase. Last evaluated: 2026-01-28. Review status: criteria provided, single submitter. Criteria: Invitae Variant Classification Sherloc (09022015). Collection method: clinical testing. Allele origin: germline.

Blueprint Genetics
Classification: Likely benign. Last evaluated: 2024-10-08. Review status: criteria provided, single submitter. Criteria: ACMG Guidelines, 2015. Collection method: clinical testing. Allele origin: germline.

Genome-Nilou Lab
Classification: Likely benign for Deficiency of hydroxymethylglutaryl-CoA lyase. Last evaluated: 2023-04-11. Review status: criteria provided, single submitter. Criteria: ACMG Guidelines, 2015. Collection method: clinical testing. Allele origin: germline. Affected: no.

GeneDx
Classification: Likely benign. Last evaluated: 2018-03-14. Review status: criteria provided, single submitter. Criteria: GeneDx Variant Classification (06012015). Collection method: clinical testing. Allele origin: germline. Affected: yes.
Comment: This variant is considered likely benign or benign based on one or more of the following criteria: it is a conservative change, it occurs at a poorly conserved position in the protein, it is predicted to be benign by multiple in silico algorithms, and/or has population frequency not consistent with disease.

Breakthrough Genomics
Classification: Likely benign. Review status: criteria provided, single submitter. Criteria: ACMG Guidelines, 2015. Collection method: not provided. Allele origin: germline. Inheritance: Autosomal recessive inheritance. Affected: yes.